The following is an entry in ClinVar:

NM_001037.5(SCN1B):c.457G>A (p.Asp153Asn)

Gene: SCN1B (sodium voltage-gated channel beta subunit 1; plus strand). Cytogenetic location: 19q13.11.
Variant type: single nucleotide variant.
Coding change: c.457G>A on transcript NM_001037.5 (MANE Select); coding-DNA position 457, G replaced by A.
Protein change: p.Asp153Asn; replaces aspartic acid 153 with asparagine.
Molecular consequence: missense variant.
Genome position (GRCh38, 1-based): chr19:35,039,125, G>A. VCF-style: chr19-35039125-G-A. GRCh37 (hg19) VCF-style: chr19-35530029-G-A.
Other names: p.D153N:GAC>AAC; c.358G>A, p.Asp120Asn (NM_001321605.2); short protein forms D153N, D120N.
Identifiers: ClinVar variation 60768 (VCV000060768.24), dbSNP rs72550247, ClinGen allele CA144662.
Genomic context (GRCh38, chr19:35,039,125, plus strand): 5'-CAGGCTGTCATGCAGCCTGGGCTACCCCCTTAACCCTGCCTGGCCCCTGCAGCCAACAGA[G>A]ACATGGCATCCATCGTGTCTGAGATCATGATGTATGTGCTCATTGTGGTGTTGACCATAT-3'
Protein context (NP_001028.1, residues 143-163): HIEVVDKANR[Asp153Asn]MASIVSEIMM

ClinVar aggregate classification (germline): Conflicting classifications of pathogenicity. Review status: criteria provided, conflicting classifications (1 of 4 stars). 9 submissions from 9 submitters: Uncertain significance (6); Likely benign (1). 2 of the submissions do not count toward it. Last evaluated 2026-01-11.

Conditions:
Generalized epilepsy with febrile seizures plus, type 1 (GEFSP1). Also called: GEFS+, TYPE 1. Identifiers: Orphanet 36387, MedGen C1858672, MONDO:0011416, OMIM 604233.
Developmental and epileptic encephalopathy, 52 (DEE52). Also called: Epileptic encephalopathy, early infantile, 52. Identifiers: MedGen C4479236, MONDO:0033361, OMIM 617350.
Brugada syndrome 5 (BRGDA5). Identifiers: Orphanet 130, Orphanet 871, MedGen C2748541, MONDO:0013015, OMIM 612838.
Atrial fibrillation, familial, 13 (ATFB13). Identifiers: MedGen C3809311, MONDO:0014155, OMIM 615377.
Cardiovascular phenotype. Identifiers: MedGen CN230736.
Death in early adulthood. Identifiers: MedGen C4022012, HP:0100613.

Allele frequency attached by ClinVar (database versions not stated): TOPMed 0.00008; gnomAD 0.00009 and 0.00007; ESP Exome Variant Server 0.00023; gnomAD exomes 0.00006 and 0.00019; ExAC 0.00007.

Submissions (9):

Labcorp Genetics (formerly Invitae), Labcorp
Classification: Uncertain significance for Brugada syndrome 5. Last evaluated: 2026-01-11. Review status: criteria provided, single submitter. Criteria: Invitae Variant Classification Sherloc (09022015). Collection method: clinical testing. Allele origin: germline.
Comment: The SCN1B gene has multiple clinically relevant transcripts. This variant occurs in alternate transcript NM_001037.5, and corresponds to NM_199037.4:c.*5027G>A in the primary transcript. This sequence change replaces aspartic acid, which is acidic and polar, with asparagine, which is neutral and polar, at codon 153 of the SCN1B protein (p.Asp153Asn). This variant is present in population databases (rs72550247, gnomAD 0.02%). This missense change has been observed in individual(s) with atrial fibrillation or sudden death (PMID: 19808477, 27435932). Algorithms developed to predict the effect of variants on gene product structure and function are not available or were not evaluated for this variant. Experimental studies have shown that this missense change affects SCN1B function (PMID: 19808477). In summary, the available evidence is currently insufficient to determine the role of this variant in disease. Therefore, it has been classified as a Variant of Uncertain Significance.

GeneDx
Classification: Uncertain significance. Last evaluated: 2025-04-30. Review status: criteria provided, single submitter. Criteria: GeneDx Variant Classification Process June 2021. Collection method: clinical testing. Allele origin: germline. Affected: yes.
Comment: Initially published as a pathogenic variant in an individual with atrial fibrillation, and functional studies show that D153N results in loss of function of the protein; however, as seizures were not reported in the affected individual, the association of D153N with epilepsy, if any, is unknown (PMID: 19808477); Reported previously in two individuals in a large population cohort who had exome sequencing; the authors classified D153N as a variant of unknown significance (PMID: 24055113); In silico analysis indicates that this missense variant does not alter protein structure/function; This variant is associated with the following publications: (PMID: Garde2020[CaseControl], 27435932, 21682648, 23838598, 35385795, 38375940, 36354758, 19808477, 24055113, 37175987, 38908461, 34867379)

Ambry Genetics
Classification: Uncertain significance for Cardiovascular phenotype. Last evaluated: 2024-02-05. Review status: criteria provided, single submitter. Criteria: Ambry Variant Classification Scheme 2023. Collection method: clinical testing. Allele origin: germline.
Comment: The p.D153N variant (also known as c.457G>A), located in coding exon 4 of the SCN1B gene, results from a G to A substitution at nucleotide position 457. The aspartic acid at codon 153 is replaced by asparagine, an amino acid with highly similar properties. This amino acid position is well conserved in available vertebrate species. In addition, the in silico prediction for this alteration is inconclusive. Based on the supporting evidence, the clinical significance of this variant for autosomal recessive SCN1B-related early infantile epileptic encephalopathy is unclear; however, due to its observed frequencies in various cohorts, this variant is unlikely to be causative of autosomal dominant SCN1B-related epilepsy and Brugada syndrome.

Blueprint Genetics
Classification: Likely benign. Last evaluated: 2023-04-14. Review status: criteria provided, single submitter. Criteria: ACMG Guidelines, 2015. Collection method: clinical testing. Allele origin: germline.

Fulgent Genetics
Classification: Uncertain significance for Generalized epilepsy with febrile seizures plus, type 1; Brugada syndrome 5; Atrial fibrillation, familial, 13; Developmental and epileptic encephalopathy, 52. Last evaluated: 2021-09-22. Review status: criteria provided, single submitter. Criteria: ACMG Guidelines, 2015. Collection method: clinical testing. Allele origin: unknown.

Revvity Omics, Revvity
Classification: Uncertain significance. Last evaluated: 2020-10-13. Review status: criteria provided, single submitter. Criteria: ACMG Guidelines, 2015. Collection method: clinical testing. Allele origin: germline.

Laboratory for Molecular Medicine, Mass General Brigham Personalized Medicine
Classification: Uncertain significance. Last evaluated: 2016-10-20. Review status: criteria provided, single submitter. Criteria: LMM Criteria. Collection method: clinical testing. Allele origin: germline.
Comment: Variant identified in a genome or exome case(s) and assessed due to predicted null impact of the variant or pathogenic assertions in the literature or databases. Disclaimer: This variant has not undergone full assessment. In vitro functional study suggests variant results in loss of function; ClinVar: VUS by GeneDx

Forensic Genetics Laboratory, Harris County Institute of Forensic Sciences
Classification: Pathogenic for Death in early adulthood. Last evaluated: 2015-03-27. Review status: no assertion criteria provided. Collection method: clinical testing. Allele origin: unknown. Affected: yes. Observed: 1 heterozygote. Study: HCIFS-Postmortem genetic screening project. Not counted in ClinVar's aggregate classification.
Comment: NM_001037.4:c.457G>A is pathogenic for Death in early adulthood in combination with NM_198056.2:c.1844G>A

OMIM
Classification: Pathogenic for ATRIAL FIBRILLATION, FAMILIAL, 13. Last evaluated: 2009-06-01. Review status: no assertion criteria provided. Collection method: literature only. Allele origin: germline. Not counted in ClinVar's aggregate classification.

Literature cited by the submitters: PubMed 19808477 (cited by 4 submitters); PubMed 27435932 (cited by 3 submitters); PubMed 24055113 (cited by Ambry Genetics and Forensic Genetics Laboratory, Harris County Institute of Forensic Sciences).